The following is an entry in ClinVar:

ClinVar aggregate classification (germline): Uncertain significance (1 of 4 stars; one submission).

Conditions:
Rhabdoid tumor predisposition syndrome 2 (RTPS2). Identifiers: Orphanet 231108, Orphanet 69077, MedGen C2750074, MONDO:0013224, OMIM 613325.

Submission:

Labcorp Genetics (formerly Invitae), Labcorp
Classification: Uncertain significance for Rhabdoid tumor predisposition syndrome 2. Last evaluated: 2023-08-09. Review status: criteria provided, single submitter. Criteria: Invitae Variant Classification Sherloc (09022015). Collection method: clinical testing. Allele origin: germline.
Comment: Advanced modeling of protein sequence and biophysical properties (such as structural, functional, and spatial information, amino acid conservation, physicochemical variation, residue mobility, and thermodynamic stability) performed at Invitae indicates that this missense variant is expected to disrupt SMARCA4 protein function. This sequence change replaces leucine, which is neutral and non-polar, with phenylalanine, which is neutral and non-polar, at codon 1631 of the SMARCA4 protein (p.Leu1631Phe). This variant is not present in population databases (gnomAD no frequency). This variant has not been reported in the literature in individuals affected with SMARCA4-related conditions. ClinVar contains an entry for this variant (Variation ID: 408666). In summary, the available evidence is currently insufficient to determine the role of this variant in disease. Therefore, it has been classified as a Variant of Uncertain Significance.

NM_003072.5(SMARCA4):c.4795C>T (p.Leu1599Phe)

Gene: SMARCA4 (SWI/SNF related BAF chromatin remodeling complex subunit ATPase 4; plus strand). Cytogenetic location: 19p13.2.
Variant type: single nucleotide variant.
Coding change: c.4795C>T on transcript NM_003072.5 (MANE Select); coding-DNA position 4795, C replaced by T.
Protein change: p.Leu1599Phe; replaces leucine 1599 with phenylalanine.
Molecular consequence: missense variant. On other transcripts: non-coding transcript variant (1).
Genome position (GRCh38, 1-based): chr19:11,060,071, C>T. VCF-style: chr19-11060071-C-T. GRCh37 (hg19) VCF-style: chr19-11170747-C-T.
Other names: c.4795C>T, p.Leu1599Phe (NM_001128844.3); c.4705C>T, p.Leu1569Phe (NM_001128845.2); c.4702C>T, p.Leu1568Phe (NM_001128846.2); c.4696C>T, p.Leu1566Phe (NM_001128847.4, NM_001374457.1); c.4693C>T, p.Leu1565Phe (NM_001128848.2); c.4891C>T, p.Leu1631Phe (NM_001128849.3, NM_001387283.1); short protein forms L1631F, L1569F, L1599F, L1565F, L1566F, L1568F.
Identifiers: ClinVar variation 408666 (VCV000408666.8), dbSNP rs1060502091, ClinGen allele CA16616201.